The following is an entry in ClinVar:

ClinVar aggregate classification (germline): Uncertain significance. Review status: criteria provided, multiple submitters, no conflicts (2 of 4 stars). 3 submissions from 3 submitters: Uncertain significance (3). Last evaluated 2025-07-16.

Conditions:
Familial encephalopathy with neuroserpin inclusion bodies. Also called: ENCEPHALOPATHY, FAMILIAL, WITH COLLINS BODIES. Identifiers: Orphanet 85110, MedGen C1858680, MONDO:0011412, OMIM 604218.

Allele frequency attached by ClinVar (database versions not stated): gnomAD exomes below 0.00001.
gnomAD v4.1: 4 of 1,613,164 alleles (0.00025%); highest among the groups gnomAD compares: Non-Finnish European, 0.00034%; no homozygotes.

Submissions (3):

Women's Health and Genetics/Laboratory Corporation of America, LabCorp
Classification: Uncertain significance. Last evaluated: 2025-07-16. Review status: criteria provided, single submitter. Criteria: LabCorp Variant Classification Summary - May 2015. Collection method: clinical testing. Allele origin: germline.
Comment: Variant summary: SERPINI1 c.863T>C (p.Val288Ala) results in a non-conservative amino acid change in the encoded protein sequence. Algorithms developed to predict the effect of missense changes on protein structure and function all suggest that this variant is likely to be disruptive. The variant was absent in 251138 control chromosomes (gnomAD). The available data on variant occurrences in the general population are insufficient to allow any conclusion about variant significance. To our knowledge, no occurrence of c.863T>C in individuals affected with Familial Encephalopathy With Neuroserpin Inclusion Bodies and no experimental evidence demonstrating its impact on protein function have been reported. ClinVar contains an entry for this variant (Variation ID: 2435818). Based on the evidence outlined above, the variant was classified as uncertain significance.

Labcorp Genetics (formerly Invitae), Labcorp
Classification: Uncertain significance for Familial encephalopathy with neuroserpin inclusion bodies. Last evaluated: 2024-10-09. Review status: criteria provided, single submitter. Criteria: Invitae Variant Classification Sherloc (09022015). Collection method: clinical testing. Allele origin: germline.
Comment: This sequence change replaces valine, which is neutral and non-polar, with alanine, which is neutral and non-polar, at codon 288 of the SERPINI1 protein (p.Val288Ala). This variant is not present in population databases (gnomAD no frequency). This variant has not been reported in the literature in individuals affected with SERPINI1-related conditions. ClinVar contains an entry for this variant (Variation ID: 2435818). Invitae Evidence Modeling of protein sequence and biophysical properties (such as structural, functional, and spatial information, amino acid conservation, physicochemical variation, residue mobility, and thermodynamic stability) has been performed for this missense variant. However, the output from this modeling did not meet the statistical confidence thresholds required to predict the impact of this variant on SERPINI1 protein function. In summary, the available evidence is currently insufficient to determine the role of this variant in disease. Therefore, it has been classified as a Variant of Uncertain Significance.

Revvity Omics, Revvity
Classification: Uncertain significance for Familial encephalopathy with neuroserpin inclusion bodies. Last evaluated: 2020-05-26. Review status: criteria provided, single submitter. Criteria: ACMG Guidelines, 2015. Collection method: clinical testing. Allele origin: germline.

NM_001122752.2(SERPINI1):c.863T>C (p.Val288Ala)

Gene: SERPINI1 (serpin family I member 1; plus strand). Cytogenetic location: 3q26.1.
Variant type: single nucleotide variant.
Coding change: c.863T>C on transcript NM_001122752.2 (MANE Select); coding-DNA position 863, T replaced by C.
Protein change: p.Val288Ala; replaces valine 288 with alanine.
Molecular consequence: missense variant.
Genome position (GRCh38, 1-based): chr3:167,794,806, T>C. VCF-style: chr3-167794806-T-C. GRCh37 (hg19) VCF-style: chr3-167512594-T-C.
Other names: c.863T>C, p.Val288Ala (NM_005025.5); short protein forms V288A.
Identifiers: ClinVar variation 2435818 (VCV002435818.7), dbSNP rs2476236067, ClinGen allele CA355157305.